The following is an entry in ClinVar:

ClinVar aggregate classification (germline): Pathogenic/Likely pathogenic. Review status: criteria provided, multiple submitters, no conflicts (2 of 4 stars). 4 submissions from 4 submitters: Pathogenic (1); Likely pathogenic (3). Last evaluated 2025-11-26.

Conditions:
BLM-related disorder. Also called: BLM-related condition.
Hereditary cancer-predisposing syndrome. Also called: Tumor predisposition; Hereditary neoplastic syndrome; Neoplastic Syndromes, Hereditary; Hereditary Cancer Syndrome. Identifiers: Orphanet 140162, MedGen C0027672, MeSH D009386, MONDO:0015356.
Bloom syndrome (BLM). Also called: Bloom-Torre-Machacek syndrome. Identifiers: Orphanet 125, MedGen C0005859, MONDO:0008876, OMIM 210900.

Allele frequency attached by ClinVar (database versions not stated): gnomAD exomes below 0.00001.

Submissions (4):

PreventionGenetics, part of Exact Sciences
Classification: Likely pathogenic for BLM-related condition. Last evaluated: 2025-11-26. Review status: criteria provided, single submitter. Criteria: ACMG Guidelines, 2015. Collection method: clinical testing. Allele origin: germline.
Comment: The BLM c.2308-2A>G variant is predicted to disrupt the AG splice acceptor site and interfere with normal splicing. To our knowledge, this variant has not been reported in the literature. This variant is reported in 0.00088% of alleles in individuals of European (Non-Finnish) descent in gnomAD. Variants that disrupt the consensus splice acceptor site in BLM are expected to be pathogenic. This variant is interpreted as pathogenic/likely pathogenic in ClinVar (Variation ID: 449542). This variant is interpreted as likely pathogenic.

Labcorp Genetics (formerly Invitae), Labcorp
Classification: Likely pathogenic for Bloom syndrome. Last evaluated: 2025-03-05. Review status: criteria provided, single submitter. Criteria: Invitae Variant Classification Sherloc (09022015). Collection method: clinical testing. Allele origin: germline.
Comment: This sequence change affects an acceptor splice site in intron 10 of the BLM gene. It is expected to disrupt RNA splicing. Variants that disrupt the donor or acceptor splice site typically lead to a loss of protein function (PMID: 16199547), and loss-of-function variants in BLM are known to be pathogenic (PMID: 17407155). This variant is present in population databases (no rsID available, gnomAD 0.0009%). This variant has not been reported in the literature in individuals affected with BLM-related conditions. ClinVar contains an entry for this variant (Variation ID: 449542). Algorithms developed to predict the effect of sequence changes on RNA splicing suggest that this variant may disrupt the consensus splice site. In summary, the currently available evidence indicates that the variant is pathogenic, but additional data are needed to prove that conclusively. Therefore, this variant has been classified as Likely Pathogenic.

Ambry Genetics
Classification: Likely pathogenic for Hereditary cancer-predisposing syndrome. Last evaluated: 2018-11-21. Review status: criteria provided, single submitter. Criteria: Ambry Variant Classification Scheme 2023. Collection method: clinical testing. Allele origin: germline.
Comment: The c.2308-2A>G intronic variant results from an A to G substitution two nucleotides upstream from coding exon 10 in the BLM gene. This nucleotide position is highly conserved in available vertebrate species. Using the BDGP and ESEfinder splice site prediction tools, this alteration is predicted to abolish the native splice acceptor site; however, direct evidence is unavailable. Alterations that disrupt the canonical splice site are expected to cause aberrant splicing, resulting in an abnormal protein or a transcript that is subject to nonsense-mediated mRNA decay. As such, this alteration is classified as likely pathogenic.

GeneDx
Classification: Pathogenic. Last evaluated: 2015-11-19. Review status: criteria provided, single submitter. Criteria: GeneDx Variant Classification (06012015). Collection method: clinical testing. Allele origin: germline. Affected: yes.
Comment: The c.2308-2A>G pathogenic variant in the BLM gene has not been reported previously as a pathogenic variant nor as a benign variant, to our knowledge. This splice site variant destroys the canonical splice acceptor site in intron 10. It is predicted to cause abnormal gene splicing, either leading to an abnormal message that is subject to nonsense-mediated mRNA decay, or to an abnormal protein product if the message is used for protein translation. The c.2308-2A>G variant was not observed in approximately 6500 individuals of European and African American ancestry in the NHLBI Exome Sequencing Project, indicating it is not a common benign variant in these populations. We interpret c.2308-2A>G as a pathogenic variant

Literature cited by the submitters: PubMed 16199547 (cited by Labcorp Genetics (formerly Invitae), Labcorp); PubMed 17407155 (cited by Labcorp Genetics (formerly Invitae), Labcorp).

NM_000057.4(BLM):c.2308-2A>G

Gene: BLM (BLM RecQ like helicase; plus strand). Cytogenetic location: 15q26.1.
Variant type: single nucleotide variant.
Coding change: c.2308-2A>G on transcript NM_000057.4 (MANE Select); the canonical splice acceptor site of the intron before coding-DNA position 2308, A replaced by G.
Molecular consequence: splice acceptor variant.
Genome position (GRCh38, 1-based): chr15:90,769,131, A>G. VCF-style: chr15-90769131-A-G. GRCh37 (hg19) VCF-style: chr15-91312361-A-G.
Other names: c.2308-2A>G (NM_001287246.2, NM_001287247.2, NM_000057.3); c.1183-2A>G (NM_001287248.2).
Identifiers: ClinVar variation 449542 (VCV000449542.12), dbSNP rs1248548542, ClinGen allele CA393845015.